The following is an entry in ClinVar:

NM_006949.4(STXBP2):c.235C>T (p.Pro79Ser)

Gene: STXBP2 (syntaxin binding protein 2; plus strand). Cytogenetic location: 19p13.2.
Variant type: single nucleotide variant.
Coding change: c.235C>T on transcript NM_006949.4 (MANE Select); coding-DNA position 235, C replaced by T.
Protein change: p.Pro79Ser; replaces proline 79 with serine.
Molecular consequence: missense variant. On other transcripts: non-coding transcript variant (1).
Genome position (GRCh38, 1-based): chr19:7,639,796, C>T. VCF-style: chr19-7639796-C-T. GRCh37 (hg19) VCF-style: chr19-7704682-C-T.
Other names: c.235C>T, p.Pro79Ser (NM_001127396.3, NM_001272034.2); c.139C>T, p.Pro47Ser (NM_001414484.1); short protein forms P79S, P47S.
Identifiers: ClinVar variation 2058627 (VCV002058627.4), dbSNP rs889515185, ClinGen allele CA304903523.

ClinVar aggregate classification (germline): Uncertain significance (1 of 4 stars; one submission).

Conditions:
Familial hemophagocytic lymphohistiocytosis 5. Also called: STXBP2-Related Familial Hemophagocytic Lymphohistiocytosis (STXBP2-fHLH). Identifiers: Orphanet 540, MedGen C2751293, MONDO:0013135, OMIM 613101.

Allele frequency attached by ClinVar (database versions not stated): gnomAD 0.00001; TOPMed 0.00001.

Submission:

Labcorp Genetics (formerly Invitae), Labcorp
Classification: Uncertain significance for Familial hemophagocytic lymphohistiocytosis 5. Last evaluated: 2024-05-07. Review status: criteria provided, single submitter. Criteria: Invitae Variant Classification Sherloc (09022015). Collection method: clinical testing. Allele origin: germline.
Comment: This sequence change replaces proline, which is neutral and non-polar, with serine, which is neutral and polar, at codon 79 of the STXBP2 protein (p.Pro79Ser). This variant is not present in population databases (gnomAD no frequency). This variant has not been reported in the literature in individuals affected with STXBP2-related conditions. ClinVar contains an entry for this variant (Variation ID: 2058627). Advanced modeling of protein sequence and biophysical properties (such as structural, functional, and spatial information, amino acid conservation, physicochemical variation, residue mobility, and thermodynamic stability) performed at Invitae indicates that this missense variant is expected to disrupt STXBP2 protein function with a positive predictive value of 80%. In summary, the available evidence is currently insufficient to determine the role of this variant in disease. Therefore, it has been classified as a Variant of Uncertain Significance.